The following is an entry in ClinVar:

ClinVar aggregate classification (germline): Conflicting classifications of pathogenicity. Review status: criteria provided, conflicting classifications (1 of 4 stars). 3 submissions from 3 submitters: Uncertain significance (2); Benign (1). Last evaluated 2025-10-30.

Conditions:
Hereditary cancer-predisposing syndrome. Also called: Hereditary neoplastic syndrome; Neoplastic Syndromes, Hereditary; Tumor predisposition; Hereditary Cancer Syndrome. Identifiers: Orphanet 140162, MedGen C0027672, MeSH D009386, MONDO:0015356.
Tuberous sclerosis syndrome (TSC). Also called: Tuberous Sclerosis Complex; Tuberous sclerosis. Identifiers: Orphanet 805, MedGen C0041341, MONDO:0001734.
Tuberous sclerosis 2 (TSC2). Identifiers: Orphanet 805, MedGen C1860707, MONDO:0013199, OMIM 613254.

Allele frequency attached by ClinVar (database versions not stated): gnomAD exomes below 0.00001; ExAC 0.00001; gnomAD 0.00001; TOPMed 0.00001.
gnomAD v4.1: 6 of 1,612,872 alleles (0.00037%); highest among the groups gnomAD compares: Non-Finnish European, 0.00051%; no homozygotes.

Submissions (3):

Ambry Genetics
Classification: Uncertain significance for Hereditary cancer-predisposing syndrome. Last evaluated: 2025-10-30. Review status: criteria provided, single submitter. Criteria: Ambry Variant Classification Scheme 2023. Collection method: clinical testing. Allele origin: germline.
Comment: The p.V1139I variant (also known as c.3415G>A), located in coding exon 29 of the TSC2 gene, results from a G to A substitution at nucleotide position 3415. The valine at codon 1139 is replaced by isoleucine, an amino acid with highly similar properties. This amino acid position is not well conserved in available vertebrate species. In addition, the in silico prediction for this alteration is inconclusive. Since supporting evidence is limited at this time, the clinical significance of this alteration remains unclear.

Labcorp Genetics (formerly Invitae), Labcorp
Classification: Benign for Tuberous sclerosis 2. Last evaluated: 2024-08-21. Review status: criteria provided, single submitter. Criteria: Invitae Variant Classification Sherloc (09022015). Collection method: clinical testing. Allele origin: germline.

All of Us Research Program, National Institutes of Health
Classification: Uncertain significance for Tuberous sclerosis syndrome. Last evaluated: 2023-12-13. Review status: criteria provided, single submitter. Criteria: ACMG Guidelines, 2015. Collection method: clinical testing. Allele origin: germline. Inheritance: Autosomal dominant inheritance. Observed: 2 variant alleles, 2 heterozygotes.
Comment: This missense variant replaces valine with isoleucine at codon 1139 of the TSC2 protein. Computational prediction suggests that this variant may not impact protein structure and function (internally defined REVEL score threshold <= 0.5, PMID: 27666373). To our knowledge, functional studies have not been reported for this variant. This variant has not been reported in individuals affected with TSC2-related disorders in the literature. This variant has been identified in 1/250396 chromosomes in the general population by the Genome Aggregation Database (gnomAD). The available evidence is insufficient to determine the role of this variant in disease conclusively. Therefore, this variant is classified as a Variant of Uncertain Significance.

This study involves interpretation of variants in research participants for the purpose of population health screening. Participant phenotype was not available at the time of variant classification. Additional details can be found in publication PMID: 35346344, PMCID: PMC8962531

NM_000548.5(TSC2):c.3415G>A (p.Val1139Ile)

Gene: TSC2 (TSC complex subunit 2; plus strand). Cytogenetic location: 16p13.3.
Variant type: single nucleotide variant.
Coding change: c.3415G>A on transcript NM_000548.5 (MANE Select); coding-DNA position 3415, G replaced by A.
Protein change: p.Val1139Ile; replaces valine 1139 with isoleucine.
Molecular consequence: missense variant.
Genome position (GRCh38, 1-based): chr16:2,080,182, G>A. VCF-style: chr16-2080182-G-A. GRCh37 (hg19) VCF-style: chr16-2130183-G-A.
Other names: c.3283G>A, p.Val1095Ile (NM_001077183.3, NM_001370404.1); c.3415G>A, p.Val1139Ile (NM_001114382.3); c.3175G>A, p.Val1059Ile (NM_001318827.2); c.3139G>A, p.Val1047Ile (NM_001318829.2); c.2683G>A, p.Val895Ile (NM_001318831.2); c.3316G>A, p.Val1106Ile (NM_001318832.2); c.3286G>A, p.Val1096Ile (NM_001363528.2, NM_001370405.1, NM_021055.3); short protein forms V1139I, V1095I, V1106I, V1047I, V1059I, V1096I, V895I.
Identifiers: ClinVar variation 468013 (VCV000468013.15), dbSNP rs759174655, ClinGen allele CA046764.